The following is an entry in ClinVar:

NM_000784.4(CYP27A1):c.1456A>T (p.Met486Leu)

Gene: CYP27A1 (cytochrome P450 family 27 subfamily A member 1; plus strand). Cytogenetic location: 2q35.
Variant type: single nucleotide variant.
Coding change: c.1456A>T on transcript NM_000784.4 (MANE Select); coding-DNA position 1456, A replaced by T.
Protein change: p.Met486Leu; replaces methionine 486 with leucine.
Molecular consequence: missense variant.
Genome position (GRCh38, 1-based): chr2:218,814,737, A>T. VCF-style: chr2-218814737-A-T. GRCh37 (hg19) VCF-style: chr2-219679460-A-T.
Other names: short protein forms M486L.
Identifiers: ClinVar variation 1108890 (VCV001108890.14), dbSNP rs150585977, ClinGen allele CA2112898.

ClinVar aggregate classification (germline): Conflicting classifications of pathogenicity. Review status: criteria provided, conflicting classifications (1 of 4 stars). 5 submissions from 5 submitters: Uncertain significance (4); Likely benign (1). Last evaluated 2026-09-05.

Conditions:
CYP27A1-related disorder. Also called: CYP27A1-related condition.
Cardiovascular phenotype. Identifiers: MedGen CN230736.
Cholestanol storage disease (CTX). Also called: CEREBRAL CHOLESTERINOSIS; Cerebrotendinous Xanthomatosis; CTX: Cerebrotendinous xanthomatosis. Identifiers: Orphanet 909, MedGen C0238052, MONDO:0008948, OMIM 213700.

Allele frequency attached by ClinVar (database versions not stated): ExAC 0.00009; TOPMed 0.00023; 1000 Genomes Project 30x 0.00031; 1000 Genomes Project 0.00040; ESP Exome Variant Server 0.00046.
gnomAD v4.1: 55 of 1,614,104 alleles (0.0034%); highest among the groups gnomAD compares: African/African-American, 0.068%; no homozygotes.

Submissions (5):

GeneDx
Classification: Uncertain significance. Last evaluated: 2026-09-05. Review status: criteria provided, single submitter. Criteria: GeneDx Variant Classification Process June 2021. Collection method: clinical testing. Allele origin: germline.
Comment: In silico analysis suggests that this missense variant does not alter protein structure/function; Has not been previously published as pathogenic or benign to our knowledge

PreventionGenetics, part of Exact Sciences
Classification: Uncertain significance for CYP27A1-related condition. Last evaluated: 2026-04-13. Review status: criteria provided, single submitter. Criteria: ACMG Guidelines, 2015. Collection method: clinical testing. Allele origin: germline.
Comment: The CYP27A1 c.1456A>T variant is predicted to result in the amino acid substitution p.Met486Leu. To our knowledge, this variant has not been reported in the literature. This variant is reported in 0.092% of alleles in individuals of African descent in gnomAD. Although we suspect that this variant may be benign, at this time, the clinical significance of this variant is uncertain due to the absence of conclusive functional and genetic evidence.

Labcorp Genetics (formerly Invitae), Labcorp
Classification: Likely benign for Cholestanol storage disease. Last evaluated: 2025-12-29. Review status: criteria provided, single submitter. Criteria: Invitae Variant Classification Sherloc (09022015). Collection method: clinical testing. Allele origin: germline.

Ambry Genetics
Classification: Uncertain significance for Cardiovascular phenotype. Last evaluated: 2023-09-22. Review status: criteria provided, single submitter. Criteria: Ambry Variant Classification Scheme 2023. Collection method: clinical testing. Allele origin: germline.
Comment: The p.M486L variant (also known as c.1456A>T), located in coding exon 8 of the CYP27A1 gene, results from an A to T substitution at nucleotide position 1456. The methionine at codon 486 is replaced by leucine, an amino acid with highly similar properties. This amino acid position is conserved. In addition, the in silico prediction for this alteration is inconclusive. Since supporting evidence is limited at this time, the clinical significance of this alteration remains unclear.

Blueprint Genetics
Classification: Uncertain significance. Last evaluated: 2023-08-17. Review status: criteria provided, single submitter. Criteria: ACMG Guidelines, 2015. Collection method: clinical testing. Allele origin: germline.